The following is an entry in ClinVar:

ClinVar aggregate classification (germline): Uncertain significance. Review status: criteria provided, multiple submitters, no conflicts (2 of 4 stars). 2 submissions from 2 submitters: Uncertain significance (2). Last evaluated 2025-03-15.

Conditions:
Dystonic disorder. Also called: Dystonia. Identifiers: MedGen C0013421, MONDO:0003441, HP:0001332.

Allele frequency attached by ClinVar (database versions not stated): gnomAD exomes below 0.00001; gnomAD 0.00001; ExAC 0.00002; TOPMed 0.00002; ESP Exome Variant Server 0.00008.
gnomAD v4.1: 3 of 1,614,138 alleles (0.00019%); highest among the groups gnomAD compares: African/African-American, 0.0013%; no homozygotes.

Submissions (2):

Ambry Genetics
Classification: Uncertain significance. Last evaluated: 2025-03-15. Review status: criteria provided, single submitter. Criteria: Ambry Variant Classification Scheme 2023. Collection method: clinical testing. Allele origin: germline.

Labcorp Genetics (formerly Invitae), Labcorp
Classification: Uncertain significance for Dystonic disorder. Last evaluated: 2023-12-06. Review status: criteria provided, single submitter. Criteria: Invitae Variant Classification Sherloc (09022015). Collection method: clinical testing. Allele origin: germline.
Comment: This sequence change replaces proline, which is neutral and non-polar, with serine, which is neutral and polar, at codon 450 of the CIZ1 protein (p.Pro450Ser). This variant is present in population databases (rs143284215, gnomAD 0.0009%). This variant has not been reported in the literature in individuals affected with CIZ1-related conditions. Algorithms developed to predict the effect of missense changes on protein structure and function output the following: SIFT: "Not Available"; PolyPhen-2: "Benign"; Align-GVGD: "Not Available". The serine amino acid residue is found in multiple mammalian species, which suggests that this missense change does not adversely affect protein function. In summary, the available evidence is currently insufficient to determine the role of this variant in disease. Therefore, it has been classified as a Variant of Uncertain Significance.

NM_001131016.2(CIZ1):c.1348C>T (p.Pro450Ser)

Gene: CIZ1 (CDKN1A interacting zinc finger protein 1; minus strand). Cytogenetic location: 9q34.11.
Variant type: single nucleotide variant.
Coding change: c.1348C>T on transcript NM_001131016.2 (MANE Select); coding-DNA position 1348, C replaced by T.
Protein change: p.Pro450Ser; replaces proline 450 with serine.
Molecular consequence: missense variant.
Genome position (GRCh38, 1-based): chr9:128,178,859, G>A on the plus strand (C>T on the coding strand, the complement: CIZ1 is on the minus strand). VCF-style: chr9-128178859-G-A. GRCh37 (hg19) VCF-style: chr9-130941138-G-A.
Other names: c.1180C>T, p.Pro394Ser (NM_001131015.2); c.1165C>T, p.Pro389Ser (NM_001131017.2); c.1108C>T, p.Pro370Ser (NM_001131018.2); c.1438C>T, p.Pro480Ser (NM_001257975.2); c.1045C>T, p.Pro349Ser (NM_001257976.2); c.1348C>T, p.Pro450Ser (NM_012127.3); c.1348C>T (NM_012127.2); short protein forms P349S, P370S, P394S, P480S, P389S, P450S.
Identifiers: ClinVar variation 2906085 (VCV002906085.4), dbSNP rs143284215, ClinGen allele CA5257329.